The following is an entry in ClinVar:

ClinVar aggregate classification (germline): Uncertain significance. Review status: criteria provided, multiple submitters, no conflicts (2 of 4 stars). 2 submissions from 2 submitters: Uncertain significance (2). Last evaluated 2024-05-01.

Conditions:
Familial sleep-related hypermotor epilepsy. Also called: Autosomal Dominant Sleep-Related Hypermotor (Hyperkinetic) Epilepsy. Identifiers: Orphanet 98784, MedGen C3696898, MONDO:0000030.

gnomAD v4.1: 19 of 1,547,388 alleles (0.0012%); highest among the groups gnomAD compares: Non-Finnish European, 0.0013%; no homozygotes.

Submissions (2):

CeGaT Center for Human Genetics Tuebingen
Classification: Uncertain significance. Last evaluated: 2024-05-01. Review status: criteria provided, single submitter. Criteria: CeGaT Center For Human Genetics Tuebingen Variant Classification Criteria Version 2. Collection method: clinical testing. Allele origin: germline. Affected: yes. Observed: 1 variant allele.
Comment: CHRNB2: PM2, PP2

Labcorp Genetics (formerly Invitae), Labcorp
Classification: Uncertain significance. Last evaluated: 2024-01-20. Review status: criteria provided, single submitter. Criteria: Invitae Variant Classification Sherloc (09022015). Collection method: clinical testing. Allele origin: germline.
Comment: This sequence change replaces leucine, which is neutral and non-polar, with valine, which is neutral and non-polar, at codon 376 of the CHRNB2 protein (p.Leu376Val). This variant is not present in population databases (gnomAD no frequency). This variant has not been reported in the literature in individuals affected with CHRNB2-related conditions. Advanced modeling of protein sequence and biophysical properties (such as structural, functional, and spatial information, amino acid conservation, physicochemical variation, residue mobility, and thermodynamic stability) performed at Invitae indicates that this missense variant is not expected to disrupt CHRNB2 protein function with a negative predictive value of 95%. In summary, the available evidence is currently insufficient to determine the role of this variant in disease. Therefore, it has been classified as a Variant of Uncertain Significance.

NM_000748.3(CHRNB2):c.1126C>G (p.Leu376Val)

Gene: CHRNB2 (cholinergic receptor nicotinic beta 2 subunit; plus strand). Cytogenetic location: 1q21.3.
Variant type: single nucleotide variant.
Coding change: c.1126C>G on transcript NM_000748.3 (MANE Select); coding-DNA position 1126, C replaced by G.
Protein change: p.Leu376Val; replaces leucine 376 with valine.
Molecular consequence: missense variant.
Genome position (GRCh38, 1-based): chr1:154,571,949, C>G. VCF-style: chr1-154571949-C-G. GRCh37 (hg19) VCF-style: chr1-154544425-C-G.
Other names: short protein forms L376V.
Identifiers: ClinVar variation 2801659 (VCV002801659.22), dbSNP rs1286192889, ClinGen allele CA342631533.
Genomic context (GRCh38, chr1:154,571,949, plus strand): 5'-TGCGCCCGTCAGCGCCTGCGCCTGCGGCGACGCCAGCGTGAGCGCGAGGGCGCTGGAGCC[C>G]TCTTCTTCCGCGAAGCCCCAGGGGCCGACTCCTGCACGTGCTTCGTCAACCGCGCGTCGG-3'
Protein context (NP_000739.1, residues 366-386): RQREREGAGA[Leu376Val]FFREAPGADS